The following is an entry in ClinVar:

NC_000002.12:g.121530929G>C

Genes: CLASP1 (cytoplasmic linker associated protein 1; minus strand), CLASP1-AS1 (CLASP1 antisense RNA 1; plus strand), RNU4ATAC (RNA, U4atac small nuclear; plus strand). Cytogenetic location: 2q14.2.
Variant type: single nucleotide variant.
Molecular consequence: intron variant (on NM_001395891.1).
Genome position: GRCh38 VCF-style: chr2-121530929-G-C. GRCh37 (hg19) VCF-style: chr2-122288505-G-C.
Other names: 50G-C; c.196-604C>G (NM_001142274.2, NM_015282.3, NM_001378003.1 and 5 more transcripts).
Identifiers: ClinVar variation 30182 (VCV000030182.7), dbSNP rs181195449, ClinGen allele CA129004.

ClinVar aggregate classification (germline): Likely pathogenic. Review status: criteria provided, multiple submitters, no conflicts (2 of 4 stars). 4 submissions from 4 submitters: Likely pathogenic (3). 1 of the submissions does not count toward it. Last evaluated 2026-05-26.

Conditions:
RNU4ATAC spectrum disorder. Also called: RNU4atac-opathy. Identifiers: MedGen CN377746, MONDO:0100558.
Osteodysplastic primordial dwarfism, type 1 (MOPD1). Also called: MOPD I; Microcephalic Osteodysplastic Primordial Dwarfism Type I/III (MOPDI) / Taybi-Linder Syndrome; Microcephalic Osteodysplastic Primordial Dwarfism, Type I; MOPD, SICILIAN FAIRY TYPE; BRACHYMELIC PRIMORDIAL DWARFISM; MICROCEPHALIC OSTEODYSPLASTIC PRIMORDIAL DWARFISM, TYPE III. Identifiers: Orphanet 2636, MedGen C1859452, MONDO:0008871, OMIM 210710.

Allele frequency attached by ClinVar (database versions not stated): TOPMed 0.00001.
gnomAD v4.1: 8 of 700,232 alleles (0.0011%); highest among the groups gnomAD compares: African/African-American, 0.0035%; no homozygotes.

Submissions (4):

Clinical Genetics Laboratory, Skane University Hospital Lund
Classification: Likely pathogenic for RNU4ATAC spectrum disorder. Last evaluated: 2026-05-26. Review status: criteria provided, single submitter. Criteria: ACMG Guidelines, 2015. Collection method: clinical testing. Allele origin: germline. Affected: yes.
Comment: PS3_Supporting, PM1, PM2 and PM3

Broad Center for Mendelian Genomics, Broad Institute of MIT and Harvard
Classification: Likely pathogenic for RNU4ATAC spectrum disorder. Last evaluated: 2025-08-21. Review status: criteria provided, single submitter. Criteria: Ellingford et al. (Genome Med. 2022). Collection method: curation. Allele origin: germline. Inheritance: Autosomal recessive inheritance.
Comment: The heterozygous n.50G>C variant in RNU4ATAC was identified by our study in two individuals with RNU4ATAC spectrum disorder (PMID: 21474761). This variant has also been reported in the literature in at least one other individual with RNU4ATAC spectrum disorder (PMID: 36807220), and has been identified in 0.003% (2/57160) of African/African American chromosomes by the Genome Aggregation Database (gnomAD; dbSNP rs181195449). Although this variant has been seen in the general population in a heterozygous state, its frequency is low enough to be consistent with a recessive carrier frequency. This variant has also been reported in ClinVar (VCV000030182.4) and has been interpreted as likely pathogenic by Labcorp Genetics (formerly Invitae). Of the three affected individuals, one was a compound heterozygote that carried a reported pathogenic variant in trans, which increases the likelihood that the n.50G>C variant is pathogenic (VCV000030178.40; PMID: 21474761). In vitro functional studies provide some evidence that the n.50G>C variant will impact splicing efficiency (PMID: 32628740). However, these types of assays may not accurately represent biological function. The n.50G>C variant is located in the 5' Stem Loop region of RNU4ATAC where several other variants have been identified, suggesting that this variant is in a functional domain and supports pathogenicity (PMID: 26522830, 32628740). In summary, although additional studies are required to fully establish its clinical significance, this variant is likely pathogenic for autosomal recessive RNU4ATAC spectrum disorder. ACMG/AMP Criteria applied: PM1, PM3, PM2_supporting, PS3_supporting (Richards 2015).

Labcorp Genetics (formerly Invitae), Labcorp
Classification: Likely pathogenic. Last evaluated: 2025-03-14. Review status: criteria provided, single submitter. Criteria: Invitae Variant Classification Sherloc (09022015). Collection method: clinical testing. Allele origin: germline.
Comment: This variant occurs in the RNU4ATAC gene, which encodes an RNA molecule that does not result in a protein product. This variant is present in population databases (rs181195449, gnomAD 0.007%). This variant has been observed in individual(s) with RNU4ATAC-related conditions (PMID: 21474761). In at least one individual the data is consistent with being in trans (on the opposite chromosome) from a pathogenic variant. ClinVar contains an entry for this variant (Variation ID: 30182). Algorithms developed to predict the effect of variants on gene product structure and function are not available or were not evaluated for this variant. Experimental studies have shown that this variant affects RNU4ATAC function (PMID: 32628740). This variant is located within the 5' stem-loop region of the RNU4ATAC RNA, which includes the 15.5K binding site and is important for spliceosome assembly (PMID: 32628740). A significant number of disease-associated RNU4ATAC variants are found in this region (PMID: 32628740, 30368667). In summary, the currently available evidence indicates that the variant is pathogenic, but additional data are needed to prove that conclusively. Therefore, this variant has been classified as Likely Pathogenic.

OMIM
Classification: Pathogenic for MICROCEPHALIC OSTEODYSPLASTIC PRIMORDIAL DWARFISM, TYPE I. Last evaluated: 2011-04-08. Review status: no assertion criteria provided. Collection method: literature only. Allele origin: germline. Not counted in ClinVar's aggregate classification.

Literature cited by the submitters: PubMed 32628740 (cited by Broad Center for Mendelian Genomics, Broad Institute of MIT and Harvard and Labcorp Genetics (formerly Invitae), Labcorp); PubMed 21474761 (cited by Labcorp Genetics (formerly Invitae), Labcorp and OMIM); PubMed 30368667 (cited by Labcorp Genetics (formerly Invitae), Labcorp).